The following is an entry in ClinVar:

NM_001384140.1(PCDH15):c.4588C>T (p.Arg1530Cys)

Gene: PCDH15 (protocadherin related 15; minus strand). Cytogenetic location: 10q21.1.
Variant type: single nucleotide variant.
Coding change: c.4588C>T on transcript NM_001384140.1 (MANE Select); coding-DNA position 4588, C replaced by T.
Protein change: p.Arg1530Cys; replaces arginine 1530 with cysteine.
Molecular consequence: missense variant. On other transcripts: synonymous variant (1).
Genome position (GRCh38, 1-based): chr10:53,810,639, G>A on the plus strand (C>T on the coding strand, the complement: PCDH15 is on the minus strand). VCF-style: chr10-53810639-G-A. GRCh37 (hg19) VCF-style: chr10-55570399-G-A.
Other names: c.4435C>T, p.Arg1479Cys (NM_001142769.4); c.4470C>T, p.Val1490= (NM_001142770.3); c.4414C>T, p.Arg1472Cys (NM_001142771.2, NM_001354411.2); c.4399C>T, p.Arg1467Cys (NM_001142772.2); c.4393C>T, p.Arg1465Cys (NM_001354420.2); c.4522C>T, p.Arg1508Cys (NM_001354429.2); short protein forms R1479C, R1530C, R1467C, R1508C, R1472C, R1465C.
Identifiers: ClinVar variation 2367215 (VCV002367215.3), dbSNP rs371717912, ClinGen allele CA5504889.

ClinVar aggregate classification (germline): Uncertain significance. Review status: criteria provided, multiple submitters, no conflicts (2 of 4 stars). 2 submissions from 2 submitters: Uncertain significance (2). Last evaluated 2026-05-12.

Conditions:
PCDH15-related disorder. Also called: PCDH15-related disorders; PCDH15-related condition.
Inborn genetic diseases. Identifiers: MedGen C0950123, MeSH D030342.

Allele frequency attached by ClinVar (database versions not stated): ExAC 0.00010; gnomAD 0.00013; TOPMed 0.00014; gnomAD exomes 0.00017; ESP Exome Variant Server 0.00019.
gnomAD v4.1: 267 of 1,613,544 alleles (0.017%); highest among the groups gnomAD compares: Middle Eastern, 0.033%; no homozygotes.

Submissions (2):

PreventionGenetics, part of Exact Sciences
Classification: Uncertain significance for PCDH15-related condition. Last evaluated: 2026-05-12. Review status: criteria provided, single submitter. Criteria: ACMG Guidelines, 2015. Collection method: clinical testing. Allele origin: germline.
Comment: The PCDH15 c.4435C>T variant is predicted to result in the amino acid substitution p.Arg1479Cys. In an alternative transcript (NM_001142769) that is biologically relevant for hearing loss this variant is described as c.4399C>T, which is predicted to result in the amino acid substitution p.Arg1467Cys. However, this variant is post-coding in the canonical transcript (NM_033056:c.*11219C>T). To our knowledge, this variant has not been reported in the literature. This variant is reported in 0.013% of alleles in individuals of European (Non-Finnish) descent in gnomAD. At this time, the clinical significance of this variant is uncertain due to the absence of conclusive functional and genetic evidence.

Ambry Genetics
Classification: Uncertain significance for Inborn genetic diseases. Last evaluated: 2021-08-09. Review status: criteria provided, single submitter. Criteria: Ambry Variant Classification Scheme 2023. Collection method: clinical testing. Allele origin: germline.